The following is an entry in ClinVar:

NM_001165963.4(SCN1A):c.1042G>C (p.Gly348Arg)

Gene: SCN1A (sodium voltage-gated channel alpha subunit 1; minus strand). Cytogenetic location: 2q24.3.
Variant type: single nucleotide variant.
Coding change: c.1042G>C on transcript NM_001165963.4 (MANE Select); coding-DNA position 1042, G replaced by C.
Protein change: p.Gly348Arg; replaces glycine 348 with arginine.
Molecular consequence: missense variant. On other transcripts: 5 prime UTR variant (1), non-coding transcript variant (1).
Genome position (GRCh38, 1-based): chr2:166,047,755, C>G on the plus strand (G>C on the coding strand, the complement: SCN1A is on the minus strand). VCF-style: chr2-166047755-C-G. GRCh37 (hg19) VCF-style: chr2-166904265-C-G.
Other names: c.1042G>C, p.Gly348Arg (NM_001165964.3, NM_001202435.3, NM_001353948.2 and 10 more transcripts); c.-1384G>C (NM_001353961.2); short protein forms G348R.
Identifiers: ClinVar variation 3382596 (VCV003382596.2).

ClinVar aggregate classification (germline): Uncertain significance (1 of 4 stars; one submission).

Conditions:
Generalized epilepsy with febrile seizures plus, type 2 (GEFSP2). Also called: GEFS+, TYPE 2. Identifiers: Orphanet 36387, MedGen C1858673, MONDO:0011461, OMIM 604403.

Submission:

Juno Genomics, Hangzhou Juno Genomics, Inc
Classification: Uncertain significance for Generalized epilepsy with febrile seizures plus, type 2. Review status: criteria provided, single submitter. Criteria: ACMG Guidelines, 2015. Collection method: clinical testing. Allele origin: germline. Affected: yes.
Comment: Absent from controls (or at extremely low frequency if recessive) in Genome Aggregation Database, Exome Sequencing Project, 1000 Genomes Project, or Exome Aggregation Consortium.;Multiple lines of computational evidence support a deleterious effect on the gene or gene product (conservation, evolutionary, splicing impact, etc).